The following is an entry in ClinVar:

NM_001042492.3(NF1):c.2799A>G (p.Leu933=)

Gene: NF1 (neurofibromin 1; plus strand). Cytogenetic location: 17q11.2.
Variant type: single nucleotide variant.
Coding change: c.2799A>G on transcript NM_001042492.3 (MANE Select); coding-DNA position 2799, A replaced by G.
Protein change: p.Leu933=; no amino-acid change (leucine 933 retained).
Molecular consequence: synonymous variant.
Genome position (GRCh38, 1-based): chr17:31,229,414, A>G. VCF-style: chr17-31229414-A-G. GRCh37 (hg19) VCF-style: chr17-29556432-A-G.
Other names: c.2799A>G, p.Leu933= (NM_000267.4).
Identifiers: ClinVar variation 745528 (VCV000745528.15), dbSNP rs1597715783, ClinGen allele CA499229056.
Genomic context (GRCh38, chr17:31,229,414, plus strand): 5'-ACGGACCAATGTTAAGGATCTGGTGGGTCTAGAATTGAGTCCTGCTCTGTATCCAATGCT[A>G]TTTAACAAATTGAAGAATACCATCAGCAAGTTTTTTGACTCCCAAGGACAGGTAAAGTGT-3'
Protein context (NP_001035957.1, residues 923-943): LELSPALYPM[Leu933=]FNKLKNTISK

ClinVar aggregate classification (germline): Benign/Likely benign. Review status: criteria provided, multiple submitters, no conflicts (2 of 4 stars). 4 submissions from 4 submitters: Benign (1); Likely benign (3). Last evaluated 2026-05-18.

Conditions:
Cardiovascular phenotype. Identifiers: MedGen CN230736.
Hereditary cancer-predisposing syndrome. Also called: Tumor predisposition; Hereditary Cancer Syndrome; Hereditary neoplastic syndrome; Neoplastic Syndromes, Hereditary. Identifiers: Orphanet 140162, MedGen C0027672, MeSH D009386, MONDO:0015356.
Neurofibromatosis, type 1 (NF1). Also called: NEUROFIBROMATOSIS, TYPE I, SOMATIC; Peripheral type neurofibromatosis; VON RECKLINGHAUSEN DISEASE; Neurofibromatosis, type I. Identifiers: Orphanet 636, MedGen C0027831, MONDO:0018975, OMIM 162200. Disease mechanism: loss of function.

Allele frequency attached by ClinVar (database versions not stated): gnomAD exomes below 0.00001.
gnomAD v4.1: 1 of 1,613,910 alleles (0.000062%); highest among the groups gnomAD compares: Non-Finnish European, 0.000085%; no homozygotes.

Submissions (4):

Myriad Genetics, Inc.
Classification: Benign for Neurofibromatosis, type 1. Last evaluated: 2026-05-18. Review status: criteria provided, single submitter. Criteria: Myriad Autosomal Dominant, Autosomal Recessive and X-Linked Classification Criteria (2023). Collection method: clinical testing. Allele origin: unknown.
Comment: This variant is considered benign. This variant is a silent/synonymous amino acid change and it is not expected to impact splicing.

Labcorp Genetics (formerly Invitae), Labcorp
Classification: Likely benign for Neurofibromatosis, type 1. Last evaluated: 2024-10-15. Review status: criteria provided, single submitter. Criteria: Invitae Variant Classification Sherloc (09022015). Collection method: clinical testing. Allele origin: germline.

Genome-Nilou Lab
Classification: Likely benign for Neurofibromatosis, type 1. Last evaluated: 2022-03-15. Review status: criteria provided, single submitter. Criteria: ACMG Guidelines, 2015. Collection method: clinical testing. Allele origin: germline. Affected: no.

Ambry Genetics
Classification: Likely benign for Cardiovascular phenotype; Hereditary cancer-predisposing syndrome. Last evaluated: 2018-05-23. Review status: criteria provided, single submitter. Criteria: Ambry Variant Classification Scheme 2023. Collection method: clinical testing. Allele origin: germline.